The following is an entry in ClinVar:

NM_133433.4(NIPBL):c.4607G>C (p.Arg1536Pro)

Gene: NIPBL (NIPBL cohesin loading factor; plus strand). Cytogenetic location: 5p13.2.
Variant type: single nucleotide variant.
Coding change: c.4607G>C on transcript NM_133433.4 (MANE Select); coding-DNA position 4607, G replaced by C.
Protein change: p.Arg1536Pro; replaces arginine 1536 with proline.
Molecular consequence: missense variant.
Genome position (GRCh38, 1-based): chr5:37,014,729, G>C. VCF-style: chr5-37014729-G-C. GRCh37 (hg19) VCF-style: chr5-37014831-G-C.
Other names: c.4607G>C, p.Arg1536Pro (NM_001438586.1, NM_015384.5); short protein forms R1536P.
Identifiers: ClinVar variation 4681155 (VCV004681155.1).
Genomic context (GRCh38, chr5:37,014,729, plus strand): 5'-TTTTTTCATTCTAGATTGACCAGGATGTTGTCATTACTAACTCTTATGAAACAGCTATGC[G>C]AACAGCCCAAAACTTCCTCTCCATCTTCCTTAAAAAGTGAGTAAAATTAATATAAATCTG-3'
Protein context (NP_597677.2, residues 1526-1546): VITNSYETAM[Arg1536Pro]TAQNFLSIFL

ClinVar aggregate classification (germline): Uncertain significance (1 of 4 stars; one submission).

Submission:

GeneDx
Classification: Uncertain significance. Last evaluated: 2025-07-03. Review status: criteria provided, single submitter. Criteria: GeneDx Variant Classification Process June 2021. Collection method: clinical testing. Allele origin: germline. Affected: yes.
Comment: Not observed at significant frequency in large population cohorts (gnomAD); In silico analysis supports that this missense variant has a deleterious effect on protein structure/function; Has not been previously published as pathogenic or benign to our knowledge